The following is an entry in ClinVar:

NM_012238.5(SIRT1):c.1417C>T (p.His473Tyr)

Gene: SIRT1 (sirtuin 1; plus strand). Cytogenetic location: 10q21.3.
Variant type: single nucleotide variant.
Coding change: c.1417C>T on transcript NM_012238.5 (MANE Select); coding-DNA position 1417, C replaced by T.
Protein change: p.His473Tyr; replaces histidine 473 with tyrosine.
Molecular consequence: missense variant.
Genome position (GRCh38, 1-based): chr10:67,912,533, C>T. VCF-style: chr10-67912533-C-T. GRCh37 (hg19) VCF-style: chr10-69672290-C-T.
Other names: c.532C>T, p.His178Tyr (NM_001142498.2); c.508C>T, p.His170Tyr (NM_001314049.2); short protein forms H473Y, H170Y, H178Y.
Identifiers: ClinVar variation 2459967 (VCV002459967.6), dbSNP rs751498023, ClinGen allele CA5521279.

ClinVar aggregate classification (germline): Uncertain significance. Review status: criteria provided, multiple submitters, no conflicts (2 of 4 stars). 2 submissions from 2 submitters: Uncertain significance (2). Last evaluated 2025-06-18.

Allele frequency attached by ClinVar (database versions not stated): gnomAD 0.00001; gnomAD exomes 0.00002; ExAC 0.00008; TOPMed 0.00011.
gnomAD v4.1: 31 of 1,613,930 alleles (0.0019%); highest among the groups gnomAD compares: Admixed American, 0.048%; no homozygotes.

Submissions (2):

Ambry Genetics
Classification: Uncertain significance. Last evaluated: 2025-06-18. Review status: criteria provided, single submitter. Criteria: Ambry Variant Classification Scheme 2023. Collection method: clinical testing. Allele origin: germline.

Labcorp Genetics (formerly Invitae), Labcorp
Classification: Uncertain significance. Last evaluated: 2024-07-30. Review status: criteria provided, single submitter. Criteria: Invitae Variant Classification Sherloc (09022015). Collection method: clinical testing. Allele origin: germline.
Comment: This sequence change replaces histidine, which is basic and polar, with tyrosine, which is neutral and polar, at codon 473 of the SIRT1 protein (p.His473Tyr). This variant is present in population databases (rs751498023, gnomAD 0.07%), and has an allele count higher than expected for a pathogenic variant. This variant has not been reported in the literature in individuals affected with SIRT1-related conditions. ClinVar contains an entry for this variant (Variation ID: 2459967). An algorithm developed to predict the effect of missense changes on protein structure and function (PolyPhen-2) suggests that this variant is likely to be disruptive. In summary, the available evidence is currently insufficient to determine the role of this variant in disease. Therefore, it has been classified as a Variant of Uncertain Significance.